The following is an entry in ClinVar:

ClinVar aggregate classification (germline): Uncertain significance (1 of 4 stars; one submission).

gnomAD v4.1: 1 of 1,613,794 alleles (0.000062%); highest among the groups gnomAD compares: Non-Finnish European, 0.000085%; no homozygotes.

Submission:

CeGaT Center for Human Genetics Tuebingen
Classification: Uncertain significance. Last evaluated: 2024-12-01. Review status: criteria provided, single submitter. Criteria: CeGaT Center For Human Genetics Tuebingen Variant Classification Criteria Version 2. Collection method: clinical testing. Allele origin: germline. Affected: yes. Observed: 1 variant allele.
Comment: ANK2: PM2, BP4

NM_001148.6(ANK2):c.4748C>G (p.Ser1583Cys)

Gene: ANK2 (ankyrin 2; plus strand). Cytogenetic location: 4q26.
Variant type: single nucleotide variant.
Coding change: c.4748C>G on transcript NM_001148.6 (MANE Select); coding-DNA position 4748, C replaced by G.
Protein change: p.Ser1583Cys; replaces serine 1583 with cysteine.
Molecular consequence: missense variant. On other transcripts: intron variant (68).
Genome position (GRCh38, 1-based): chr4:113,353,366, C>G. VCF-style: chr4-113353366-C-G. GRCh37 (hg19) VCF-style: chr4-114274522-C-G.
Other names: c.4514C>G, p.Ser1505Cys (NM_001386142.1); c.1148C>G, p.Ser383Cys (NM_001386166.1); c.4889C>G, p.Ser1630Cys (NM_001386174.1); c.4865C>G, p.Ser1622Cys (NM_001386175.1); c.4411+3117C>G (NM_001386186.2, NM_001386148.2); c.4213+3117C>G (NM_001354269.3); c.4291+3117C>G (NM_001386187.2); c.4252+3117C>G (NM_001386147.1); and 35 more; short protein forms S1505C, S1583C, S1622C, S1630C, S383C.
Identifiers: ClinVar variation 3771581 (VCV003771581.13).
Genomic context (GRCh38, chr4:113,353,366, plus strand): 5'-ATGAAATCCTGAGAAGTGGAACCTGCACAAGAGATGAAAGCAGTGTGCAGAGCTCTCGGT[C>G]TGAGAGAGGATTAGTTGAAGAGGAATGGGTTATTGTCAGTGATGAGGAAATAGAAGAGGC-3'
Protein context (NP_001139.3, residues 1573-1593): RDESSVQSSR[Ser1583Cys]ERGLVEEEWV